The following is an entry in ClinVar:

ClinVar aggregate classification (germline): Uncertain significance (1 of 4 stars; one submission).

Allele frequency attached by ClinVar (database versions not stated): gnomAD 0.00001; TOPMed 0.00002.
gnomAD v4.1: 5 of 1,608,506 alleles (0.00031%); highest among the groups gnomAD compares: African/African-American, 0.0054%; no homozygotes.

Submission:

GeneDx
Classification: Uncertain significance. Last evaluated: 2025-05-12. Review status: criteria provided, single submitter. Criteria: GeneDx Variant Classification Process June 2021. Collection method: clinical testing. Allele origin: germline. Affected: yes.
Comment: Not observed at significant frequency in large population cohorts (gnomAD); Missense variant in a gene in which most reported pathogenic variants are truncating/loss of function; Has not been previously published as pathogenic or benign to our knowledge

NM_001267550.2(TTN):c.57017A>C (p.Asp19006Ala)

Genes: TTN (titin; minus strand), TTN-AS1 (TTN antisense RNA 1; plus strand). Cytogenetic location: 2q31.2.
Variant type: single nucleotide variant.
Coding change: c.57017A>C on transcript NM_001267550.2 (MANE Select); coding-DNA position 57017, A replaced by C.
Protein change: p.Asp19006Ala; replaces aspartic acid 19006 with alanine.
Molecular consequence: missense variant. On other transcripts: non-coding transcript variant (1).
Genome position (GRCh38, 1-based): chr2:178,598,600, T>G on the plus strand (A>C on the coding strand, the complement: TTN is on the minus strand). VCF-style: chr2-178598600-T-G. GRCh37 (hg19) VCF-style: chr2-179463327-T-G.
Other names: c.52094A>C, p.Asp17365Ala (NM_001256850.1); c.29822A>C, p.Asp9941Ala (NM_003319.4); c.49313A>C, p.Asp16438Ala (NM_133378.4); c.30197A>C, p.Asp10066Ala (NM_133432.3); c.30398A>C, p.Asp10133Ala (NM_133437.4); c.57017A>C (NM_001267550.1); short protein forms D10066A, D10133A, D16438A, D17365A, D19006A, D9941A.
Identifiers: ClinVar variation 1305068 (VCV001305068.3), dbSNP rs747343924, ClinGen allele CA1993125.